The following is an entry in ClinVar:

ClinVar aggregate classification (germline): Uncertain significance (1 of 4 stars; one submission).

Conditions:
Developmental and epileptic encephalopathy, 1 (DEE1). Also called: X-linked infantile spasms; West's syndrome; Tonic spasms with clustering, arrest of psychomotor development and hypsarrhythmia on EEG; X-Linked Infantile Spasm Syndrome; OHTAHARA SYNDROME, X-LINKED; Epileptic encephalopathy, early infantile, 1. Identifiers: MedGen C3463992, MONDO:0010632, OMIM 308350. Disease mechanism: loss of function.
Autosomal dominant nonsyndromic hearing loss 65. Also called: Deafness, autosomal dominant 65; TBC1D24-Related Autosomal Dominant Nonsyndromic Hearing Loss (DFNA). Identifiers: Orphanet 90635, MedGen C3892048, MONDO:0014470, OMIM 616044.

Allele frequency attached by ClinVar (database versions not stated): TOPMed 0.00002; gnomAD 0.00003; ExAC below 0.00001; gnomAD exomes 0.00001.
gnomAD v4.1: 11 of 1,599,270 alleles (0.00069%); highest among the groups gnomAD compares: East Asian, 0.0068%; no homozygotes.

Submission:

Labcorp Genetics (formerly Invitae), Labcorp
Classification: Uncertain significance for Developmental and epileptic encephalopathy, 1; Autosomal dominant nonsyndromic hearing loss 65. Last evaluated: 2025-09-10. Review status: criteria provided, single submitter. Criteria: Invitae Variant Classification Sherloc (09022015). Collection method: clinical testing. Allele origin: germline.
Comment: This sequence change replaces glutamic acid, which is acidic and polar, with lysine, which is basic and polar, at codon 495 of the TBC1D24 protein (p.Glu495Lys). The frequency data for this variant in the population databases is considered unreliable, as metrics indicate poor data quality at this position in the gnomAD database. This variant has not been reported in the literature in individuals affected with TBC1D24-related conditions. ClinVar contains an entry for this variant (Variation ID: 1005495). Invitae Evidence Modeling of protein sequence and biophysical properties (such as structural, functional, and spatial information, amino acid conservation, physicochemical variation, residue mobility, and thermodynamic stability) indicates that this missense variant is not expected to disrupt TBC1D24 protein function with a negative predictive value of 95%. In summary, the available evidence is currently insufficient to determine the role of this variant in disease. Therefore, it has been classified as a Variant of Uncertain Significance.

NM_001199107.2(TBC1D24):c.1483G>A (p.Glu495Lys)

Gene: TBC1D24 (TBC1 domain family member 24; plus strand). Cytogenetic location: 16p13.3.
Variant type: single nucleotide variant.
Coding change: c.1483G>A on transcript NM_001199107.2 (MANE Select); coding-DNA position 1483, G replaced by A.
Protein change: p.Glu495Lys; replaces glutamic acid 495 with lysine.
Molecular consequence: missense variant.
Genome position (GRCh38, 1-based): chr16:2,500,448, G>A. VCF-style: chr16-2500448-G-A. GRCh37 (hg19) VCF-style: chr16-2550449-G-A.
Other names: c.1465G>A, p.Glu489Lys (NM_020705.3); short protein forms E489K, E495K.
Identifiers: ClinVar variation 1005495 (VCV001005495.9), dbSNP rs769751880, ClinGen allele CA7844306.
Genomic context (GRCh38, chr16:2,500,448, plus strand): 5'-CCCGCTGACCGCCTCTCGCCCTTCCTGGCCGCTCGCCACTTCAACCTGCCCTCCAAGACC[G>A]AGTCCATGTTCATGGCGGGGGGCAGCGACTGCCTCATCGTCGGTGAGCGCCAGCAGACGG-3'
Protein context (NP_001186036.1, residues 485-505): ARHFNLPSKT[Glu495Lys]SMFMAGGSDC